The following is an entry in ClinVar:

NM_000103.4(CYP19A1):c.80_81insTGCTGCCTCCATGCC (p.Pro27_Val28insAlaAlaSerMetPro)

Genes: CYP19A1 (cytochrome P450 family 19 subfamily A member 1; minus strand), MIR4713HG (MIR4713 host gene; plus strand), PIRC66 (piwi-interacting RNA cluster 66; plus strand). Cytogenetic location: 15q21.2.
Variant type: Insertion.
Coding change: c.80_81insTGCTGCCTCCATGCC on transcript NM_000103.4 (MANE Select); coding-DNA positions 80 to 81, TGCTGCCTCCATGCC inserted.
Protein change: p.Pro27_Val28insAlaAlaSerMetPro.
Molecular consequence: inframe insertion.
Genome position: GRCh38 VCF-style: chr15-51242832-T-TGGCATGGAGGCAGCA. GRCh37 (hg19) VCF-style: chr15-51535029-T-TGGCATGGAGGCAGCA.
Other names: c.80_81insTGCTGCCTCCATGCC, p.Pro27_Val28insAlaAlaSerMetPro (NM_001347248.1, NM_001347249.2, NM_001347250.2 and 7 more transcripts).
Identifiers: ClinVar variation 2153302 (VCV002153302.1), dbSNP rs1430135631, ClinGen allele CA713585018.

ClinVar aggregate classification (germline): Uncertain significance (1 of 4 stars; one submission).

Submission:

Labcorp Genetics (formerly Invitae), Labcorp
Classification: Uncertain significance. Last evaluated: 2022-10-13. Review status: criteria provided, single submitter. Criteria: Invitae Variant Classification Sherloc (09022015). Collection method: clinical testing. Allele origin: germline.
Comment: This variant, c.80_81insTGCTGCCTCCATGCC, results in the insertion of 5 amino acid(s) of the CYP19A1 protein (p.Pro27_Val28insAlaAlaSerMetPro), but otherwise preserves the integrity of the reading frame. This variant is not present in population databases (gnomAD no frequency). This variant has not been reported in the literature in individuals affected with CYP19A1-related conditions. Experimental studies and prediction algorithms are not available or were not evaluated, and the functional significance of this variant is currently unknown. In summary, the available evidence is currently insufficient to determine the role of this variant in disease. Therefore, it has been classified as a Variant of Uncertain Significance.